The following is an entry in ClinVar:

ClinVar aggregate classification (germline): Uncertain significance (1 of 4 stars; one submission).

Conditions:
LPIN2-related disorder. Also called: LPIN2-related condition.

Submission:

PreventionGenetics, part of Exact Sciences
Classification: Uncertain significance for LPIN2-related condition. Last evaluated: 2024-11-08. Review status: criteria provided, single submitter. Criteria: ACMG Guidelines, 2015. Collection method: clinical testing. Allele origin: germline.
Comment: The LPIN2 c.596C>G variant is predicted to result in the amino acid substitution p.Ser199Cys. To our knowledge, this variant has not been reported in the literature or in a large population database (gnomAD), indicating this variant is rare. At this time, the clinical significance of this variant is uncertain due to the absence of conclusive functional and genetic evidence.

NM_001375808.2(LPIN2):c.596C>G (p.Ser199Cys)

Gene: LPIN2 (lipin 2; minus strand). Cytogenetic location: 18p11.31.
Variant type: single nucleotide variant.
Coding change: c.596C>G on transcript NM_001375808.2 (MANE Select); coding-DNA position 596, C replaced by G.
Protein change: p.Ser199Cys; replaces serine 199 with cysteine.
Molecular consequence: missense variant.
Genome position (GRCh38, 1-based): chr18:2,940,707, G>C on the plus strand (C>G on the coding strand, the complement: LPIN2 is on the minus strand). VCF-style: chr18-2940707-G-C. GRCh37 (hg19) VCF-style: chr18-2940705-G-C.
Other names: c.596C>G, p.Ser199Cys (NM_001375809.1, NM_014646.2); short protein forms S199C.
Identifiers: ClinVar variation 4997442 (VCV004997442.1).